The following is an entry in ClinVar:

ClinVar aggregate classification (germline): Uncertain significance. Review status: criteria provided, multiple submitters, no conflicts (2 of 4 stars). 2 submissions from 2 submitters: Uncertain significance (2). Last evaluated 2025-08-21.

Allele frequency attached by ClinVar (database versions not stated): gnomAD exomes 0.00004; ExAC 0.00014; TOPMed below 0.00001; gnomAD 0.00001.
gnomAD v4.1: 61 of 1,606,006 alleles (0.0038%); highest among the groups gnomAD compares: South Asian, 0.066%; 1 homozygote.

Submissions (2):

Ambry Genetics
Classification: Uncertain significance. Last evaluated: 2025-08-21. Review status: criteria provided, single submitter. Criteria: Ambry Variant Classification Scheme 2023. Collection method: clinical testing. Allele origin: germline.

Labcorp Genetics (formerly Invitae), Labcorp
Classification: Uncertain significance. Last evaluated: 2025-01-13. Review status: criteria provided, single submitter. Criteria: Invitae Variant Classification Sherloc (09022015). Collection method: clinical testing. Allele origin: germline.
Comment: This sequence change replaces alanine, which is neutral and non-polar, with valine, which is neutral and non-polar, at codon 143 of the CFD protein (p.Ala143Val). This variant is present in population databases (rs773419597, gnomAD 0.07%). This variant has not been reported in the literature in individuals affected with CFD-related conditions. ClinVar contains an entry for this variant (Variation ID: 2085389). An algorithm developed to predict the effect of missense changes on protein structure and function (PolyPhen-2) suggests that this variant¬†is likely to be tolerated. In summary, the available evidence is currently insufficient to determine the role of this variant in disease. Therefore, it has been classified as a Variant of Uncertain Significance.

NM_001928.4(CFD):c.428C>T (p.Ala143Val)

Gene: CFD (complement factor D; plus strand). Cytogenetic location: 19p13.3.
Variant type: single nucleotide variant.
Coding change: c.428C>T on transcript NM_001928.4 (MANE Select); coding-DNA position 428, C replaced by T.
Protein change: p.Ala143Val; replaces alanine 143 with valine.
Molecular consequence: missense variant.
Genome position (GRCh38, 1-based): chr19:861,769, C>T. VCF-style: chr19-861769-C-T. GRCh37 (hg19) VCF-style: chr19-861769-C-T.
Other names: c.449C>T, p.Ala150Val (NM_001317335.2); short protein forms A143V, A150V.
Identifiers: ClinVar variation 2085389 (VCV002085389.4), dbSNP rs773419597, ClinGen allele CA9026363.